The following is an entry in ClinVar:

NM_001291815.2(HMCN2):c.4149G>A (p.Ala1383=)

Gene: HMCN2 (hemicentin 2; plus strand). Cytogenetic location: 9q34.11.
Variant type: single nucleotide variant.
Coding change: c.4149G>A on transcript NM_001291815.2 (MANE Select); coding-DNA position 4149, G replaced by A.
Protein change: p.Ala1383=; no amino-acid change (alanine 1383 retained).
Molecular consequence: synonymous variant.
Genome position (GRCh38, 1-based): chr9:130,348,669, G>A. VCF-style: chr9-130348669-G-A. GRCh37 (hg19) VCF-style: chr9-133224056-G-A.
Identifiers: ClinVar variation 2659585 (VCV002659585.24), dbSNP rs200403870, ClinGen allele CA5282097.
Genomic context (GRCh38, chr9:130,348,669, plus strand): 5'-GACGCTGGAGTGTGACGCGAACGGCTTTCCAGTCCCTGAGATCGTGTGGCTGAAGGACGC[G>A]CAGCTGGTGGGTGTCCCCCTAGGGTGGGCGGGGTATGGGTGGGATTTAGGCTGGGGACAG-3'
Protein context (NP_001278744.1, residues 1373-1393): PVPEIVWLKD[Ala1383=]QLIPKVGGHR

ClinVar aggregate classification (germline): Likely benign (1 of 4 stars; one submission).

Allele frequency attached by ClinVar (database versions not stated): 1000 Genomes Project 30x 0.00078; 1000 Genomes Project 0.00080; ExAC 0.00123; gnomAD 0.00236.
gnomAD v4.1: 2,329 of 1,225,108 alleles (0.19%); highest among the groups gnomAD compares: Non-Finnish European, 0.23%; 8 homozygotes.

Submission:

CeGaT Center for Human Genetics Tuebingen
Classification: Likely benign. Last evaluated: 2023-01-01. Review status: criteria provided, single submitter. Criteria: CeGaT Center For Human Genetics Tuebingen Variant Classification Criteria Version 2. Collection method: clinical testing. Allele origin: germline. Affected: yes. Observed: 1 variant allele.
Comment: HMCN2: BP4, BP7